The following is an entry in ClinVar:

ClinVar aggregate classification (germline): Uncertain significance (1 of 4 stars; one submission).

Conditions:
Bethlem myopathy 1A. Also called: MYOPATHY, BENIGN CONGENITAL, WITH CONTRACTURES; Bethlem myopathy 1; Bethlem Muscular Dystrophy. Identifiers: Orphanet 610, MedGen CN029274, MONDO:0024530, OMIM 158810.

Submission:

Labcorp Genetics (formerly Invitae), Labcorp
Classification: Uncertain significance for Bethlem myopathy 1A. Last evaluated: 2022-05-10. Review status: criteria provided, single submitter. Criteria: Invitae Variant Classification Sherloc (09022015). Collection method: clinical testing. Allele origin: germline.
Comment: In summary, the available evidence is currently insufficient to determine the role of this variant in disease. Therefore, it has been classified as a Variant of Uncertain Significance. Advanced modeling of protein sequence and biophysical properties (such as structural, functional, and spatial information, amino acid conservation, physicochemical variation, residue mobility, and thermodynamic stability) performed at Invitae indicates that this missense variant is not expected to disrupt COL6A3 protein function. This variant has not been reported in the literature in individuals affected with COL6A3-related conditions. This variant is not present in population databases (gnomAD no frequency). This sequence change replaces alanine, which is neutral and non-polar, with threonine, which is neutral and polar, at codon 763 of the COL6A3 protein (p.Ala763Thr).

NM_004369.4(COL6A3):c.2287G>A (p.Ala763Thr)

Gene: COL6A3 (collagen type VI alpha 3 chain; minus strand). Cytogenetic location: 2q37.3.
Variant type: single nucleotide variant.
Coding change: c.2287G>A on transcript NM_004369.4 (MANE Select); coding-DNA position 2287, G replaced by A.
Protein change: p.Ala763Thr; replaces alanine 763 with threonine.
Molecular consequence: missense variant. On other transcripts: intron variant (1).
Genome position (GRCh38, 1-based): chr2:237,378,846, C>T on the plus strand (G>A on the coding strand, the complement: COL6A3 is on the minus strand). VCF-style: chr2-237378846-C-T. GRCh37 (hg19) VCF-style: chr2-238287489-C-T.
Other names: c.1066G>A, p.Ala356Thr (NM_057164.5); c.1669G>A, p.Ala557Thr (NM_057165.5, NM_057167.4); c.677-1502G>A (NM_057166.5); short protein forms A356T, A557T, A763T.
Identifiers: ClinVar variation 1979888 (VCV001979888.4), dbSNP rs2469919947, ClinGen allele CA351213280.